The following is an entry in ClinVar:

ClinVar aggregate classification (germline): Uncertain significance (1 of 4 stars; one submission).

Conditions:
Acromesomelic dysplasia 3 (AMD3). Also called: CHONDRODYSPLASIA, ACROMESOMELIC, WITH OR WITHOUT GENITAL ANOMALIES; Acromesomelic dysplasia, Demirhan type. Identifiers: MedGen C4225404, MONDO:0012274, OMIM 609441.
Type A2 brachydactyly (BDA2). Also called: BRACHYMESOPHALANGY II; MOHR-WRIEDT TYPE BRACHYDACTYLY; Brachymesophalangy type 2. Identifiers: Orphanet 93396, MedGen C1832702, MONDO:0007216, OMIM 112600, HP:0009372.

Submission:

Labcorp Genetics (formerly Invitae), Labcorp
Classification: Uncertain significance for Type A2 brachydactyly; Acromesomelic dysplasia 3. Last evaluated: 2025-09-16. Review status: criteria provided, single submitter. Criteria: Invitae Variant Classification Sherloc (09022015). Collection method: clinical testing. Allele origin: germline.
Comment: This sequence change replaces arginine, which is basic and polar, with glutamine, which is neutral and polar, at codon 331 of the BMPR1B protein (p.Arg331Gln). This variant is present in population databases (no rsID available, gnomAD 0.0009%). This variant has not been reported in the literature in individuals affected with BMPR1B-related conditions. Invitae Evidence Modeling of protein sequence and biophysical properties (such as structural, functional, and spatial information, amino acid conservation, physicochemical variation, residue mobility, and thermodynamic stability) indicates that this missense variant is expected to disrupt BMPR1B protein function with a positive predictive value of 80%. In summary, the available evidence is currently insufficient to determine the role of this variant in disease. Therefore, it has been classified as a Variant of Uncertain Significance.

NM_001203.3(BMPR1B):c.992G>A (p.Arg331Gln)

Gene: BMPR1B (bone morphogenetic protein receptor type 1B; plus strand). Cytogenetic location: 4q22.3.
Variant type: single nucleotide variant.
Coding change: c.992G>A on transcript NM_001203.3 (MANE Select); coding-DNA position 992, G replaced by A.
Protein change: p.Arg331Gln; replaces arginine 331 with glutamine.
Molecular consequence: missense variant.
Genome position (GRCh38, 1-based): chr4:95,131,428, G>A. VCF-style: chr4-95131428-G-A. GRCh37 (hg19) VCF-style: chr4-96052579-G-A.
Other names: c.992G>A, p.Arg331Gln (NM_001256792.2, NM_001256794.1); c.1082G>A, p.Arg361Gln (NM_001256793.2); short protein forms R361Q, R331Q.
Identifiers: ClinVar variation 4782782 (VCV004782782.1).
Genomic context (GRCh38, chr4:95,131,428, plus strand): 5'-GCTTATGTCATTTACACACAGAAATCTTTAGTACTCAAGGCAAACCAGCAATTGCCCATC[G>A]AGATCTGAAAAGTAAAAACATTCTGGTGAAGAAAAATGGAACTTGCTGTATTGCTGACCT-3'
Protein context (NP_001194.1, residues 321-341): STQGKPAIAH[Arg331Gln]DLKSKNILVK